The following is an entry in ClinVar:

ClinVar aggregate classification (germline): Benign. Review status: criteria provided, multiple submitters, no conflicts (2 of 4 stars). 2 submissions from 2 submitters: Benign (2). Last evaluated 2018-01-12.

Conditions:
Landau-Kleffner syndrome (FESD). Also called: EPILEPSY, FOCAL, WITH SPEECH DISORDER AND WITH OR WITHOUT MENTAL RETARDATION; APHASIA, ACQUIRED, WITH EPILEPSY. Identifiers: Orphanet 1945, Orphanet 725, Orphanet 98818, MedGen C0282512, MONDO:0009509, OMIM 245570.

Allele frequency attached by ClinVar (database versions not stated): gnomAD 0.35138 and 0.36034; 1000 Genomes Project 30x 0.36743; TOPMed 0.34381; 1000 Genomes Project 0.37400.
gnomAD v4.1: 84,328 of 220,430 alleles (38%); highest among the groups gnomAD compares: South Asian, 54%; 17,447 homozygotes.

Submissions (2):

Illumina Laboratory Services, Illumina
Classification: Benign for Landau-Kleffner syndrome. Last evaluated: 2018-01-12. Review status: criteria provided, single submitter. Criteria: ICSL Variant Classification Criteria 13 December 2019. Collection method: clinical testing. Allele origin: germline.
Comment: This variant was observed in the ICSL laboratory as part of a predisposition screen in an ostensibly healthy population. It had not been previously curated by ICSL or reported in the Human Gene Mutation Database (HGMD: prior to June 1st, 2018), and was therefore a candidate for classification through an automated scoring system. Utilizing variant allele frequency, disease prevalence and penetrance estimates, and inheritance mode, an automated score was calculated to assess if this variant is too frequent to cause the disease. Based on the score and internal cut-off values, a variant classified as benign is not then subjected to further curation. The score for this variant resulted in a classification of benign for this disease.

Breakthrough Genomics
Classification: Benign. Review status: criteria provided, single submitter. Criteria: ACMG Guidelines, 2015. Collection method: not provided. Allele origin: germline. Inheritance: Autosomal dominant inheritance. Affected: yes.

NM_001134407.3(GRIN2A):c.*2617G>C

Gene: GRIN2A (glutamate ionotropic receptor NMDA type subunit 2A; minus strand). Cytogenetic location: 16p13.2.
Variant type: single nucleotide variant.
Coding change: c.*2617G>C on transcript NM_001134407.3 (MANE Select); 2617 bases downstream of the stop codon, G replaced by C.
Molecular consequence: 3 prime UTR variant.
Genome position (GRCh38, 1-based): chr16:9,760,532, C>G on the plus strand (G>C on the coding strand, the complement: GRIN2A is on the minus strand). VCF-style: chr16-9760532-C-G. GRCh37 (hg19) VCF-style: chr16-9854389-C-G.
Other names: c.*2617G>C (NM_000833.5); c.*2823G>C (NM_001134408.2).
Identifiers: ClinVar variation 321565 (VCV000321565.6), dbSNP rs62034910, ClinGen allele CA10648485.